The following is an entry in ClinVar:

ClinVar aggregate classification (germline): Likely benign. Review status: criteria provided, single submitter (1 of 4 stars). 2 submissions from 2 submitters: Likely benign (1). 1 of the submissions does not count toward it. Last evaluated 2025-04-03.

Conditions:
PKD1-related disorder. Also called: PKD1-related condition.

Allele frequency attached by ClinVar (database versions not stated): gnomAD exomes 0.00001; gnomAD 0.00001; TOPMed 0.00002.
gnomAD v4.1: 20 of 1,552,590 alleles (0.0013%); highest among the groups gnomAD compares: Non-Finnish European, 0.0016%; no homozygotes.

Submissions (2):

Women's Health and Genetics/Laboratory Corporation of America, LabCorp
Classification: Likely benign. Last evaluated: 2025-04-03. Review status: criteria provided, single submitter. Criteria: LabCorp Variant Classification Summary - May 2015. Collection method: clinical testing. Allele origin: germline.

PreventionGenetics, part of Exact Sciences
Classification: Likely benign for PKD1-related condition. Last evaluated: 2024-01-04. Review status: no assertion criteria provided. Collection method: clinical testing. Allele origin: germline. Not counted in ClinVar's aggregate classification.
Comment: This variant is classified as likely benign based on ACMG/AMP sequence variant interpretation guidelines (Richards et al. 2015 PMID: 25741868, with internal and published modifications).

NM_001009944.3(PKD1):c.9162C>T (p.Ser3054=)

Gene: PKD1 (polycystin 1, transient receptor potential channel interacting; minus strand). Cytogenetic location: 16p13.3.
Variant type: single nucleotide variant.
Coding change: c.9162C>T on transcript NM_001009944.3 (MANE Select); coding-DNA position 9162, C replaced by T.
Protein change: p.Ser3054=; no amino-acid change (serine 3054 retained).
Molecular consequence: synonymous variant.
Genome position (GRCh38, 1-based): chr16:2,102,420, G>A on the plus strand (C>T on the coding strand, the complement: PKD1 is on the minus strand). VCF-style: chr16-2102420-G-A. GRCh37 (hg19) VCF-style: chr16-2152421-G-A.
Other names: c.9162C>T, p.Ser3054= (NM_000296.4).
Identifiers: ClinVar variation 3061599 (VCV003061599.4), dbSNP rs757261713, ClinGen allele CA7830179.